The following is an entry in ClinVar:

ClinVar aggregate classification (germline): Pathogenic (1 of 4 stars; one submission).

Allele frequency attached by ClinVar (database versions not stated): TOPMed 0.00002; ESP Exome Variant Server 0.00008.
gnomAD v4.1: 18 of 506,058 alleles (0.0036%); highest among the groups gnomAD compares: African/African-American, 0.0044%; no homozygotes.

Submissions (2):

CeGaT Center for Human Genetics Tuebingen
Classification: Pathogenic. Last evaluated: 2026-07-01. Review status: criteria provided, single submitter. Criteria: CeGaT Center For Human Genetics Tuebingen Variant Classification Criteria Version 2. Collection method: clinical testing. Allele origin: germline. Affected: yes. Observed: 1 variant allele.
Comment: U2AF1: PM1:Strong, PS3, PM2:Supporting, PP2, PP3

Dr. Peter K. Rogan Lab, Western University
No classification provided (evidence only). Condition: Familial cancer of breast. Review status: no classification provided. Collection method: in vitro. Allele origin: not applicable. Functional consequence: cryptic splice site. Not counted in ClinVar's aggregate classification.

NM_006758.3(U2AF1):c.470A>G (p.Gln157Arg)

Gene: U2AF1 (U2 small nuclear RNA auxiliary factor 1; minus strand). Cytogenetic location: 21q22.3.
Variant type: single nucleotide variant.
Coding change: c.470A>G on transcript NM_006758.3 (MANE Select); coding-DNA position 470, A replaced by G.
Protein change: p.Gln157Arg; replaces glutamine 157 with arginine.
Molecular consequence: missense variant.
Genome position (GRCh38, 1-based): chr21:43,094,667, T>C on the plus strand (A>G on the coding strand, the complement: U2AF1 is on the minus strand). VCF-style: chr21-43094667-T-C. GRCh37 (hg19) VCF-style: chr21-44514777-T-C.
Other names: NC_000021.8:g.44514777T>C; c.470A>G, p.Gln157Arg (NM_001025203.1); c.251A>G, p.Gln84Arg (NM_001025204.2); short protein forms Q157R, Q84R.
Identifiers: ClinVar variation 4454821 (VCV004454821.2), dbSNP rs371246226.
Genomic context (GRCh38, chr21:43,094,667, plus strand): 5'-ACGGCCCCGAACTGTGCTCAGTCACGTCACTGGCCACTCCTCACTCACCCCATCTCATAC[T>C]GACGGCAGCAGGCTTCTCTGAAGTCCGTCACGGGTGACAGCTCGGCGTGGATCGGCTGTC-3'
Protein context (NP_006749.1, residues 147-167): VTDFREACCR[Gln157Arg]YEMGECTRGG